The following is an entry in ClinVar:

ClinVar aggregate classification (germline): Uncertain significance (1 of 4 stars; one submission).

Conditions:
Primary ciliary dyskinesia 6. Also called: Primary Ciliary Dyskinesia 6: TXNDC3-Related Primary Ciliary Dyskinesia. Identifiers: Orphanet 244, MedGen C1970506, MONDO:0012571, OMIM 610852.

Submission:

Labcorp Genetics (formerly Invitae), Labcorp
Classification: Uncertain significance for Primary ciliary dyskinesia 6. Last evaluated: 2024-08-05. Review status: criteria provided, single submitter. Criteria: Invitae Variant Classification Sherloc (09022015). Collection method: clinical testing. Allele origin: germline.
Comment: This sequence change replaces methionine, which is neutral and non-polar, with isoleucine, which is neutral and non-polar, at codon 512 of the NME8 protein (p.Met512Ile). This variant is not present in population databases (gnomAD no frequency). This variant has not been reported in the literature in individuals affected with NME8-related conditions. Advanced modeling of protein sequence and biophysical properties (such as structural, functional, and spatial information, amino acid conservation, physicochemical variation, residue mobility, and thermodynamic stability) performed at Invitae indicates that this missense variant is not expected to disrupt NME8 protein function with a negative predictive value of 80%. In summary, the available evidence is currently insufficient to determine the role of this variant in disease. Therefore, it has been classified as a Variant of Uncertain Significance.

NM_016616.5(NME8):c.1536G>T (p.Met512Ile)

Gene: NME8 (NME/NM23 family member 8; plus strand). Cytogenetic location: 7p14.1.
Variant type: single nucleotide variant.
Coding change: c.1536G>T on transcript NM_016616.5 (MANE Select); coding-DNA position 1536, G replaced by T.
Protein change: p.Met512Ile; replaces methionine 512 with isoleucine.
Molecular consequence: missense variant.
Genome position (GRCh38, 1-based): chr7:37,894,602, G>T. VCF-style: chr7-37894602-G-T. GRCh37 (hg19) VCF-style: chr7-37934204-G-T.
Other names: short protein forms M512I.
Identifiers: ClinVar variation 2979077 (VCV002979077.3), dbSNP rs1785190099, ClinGen allele CA367217144.